The following is an entry in ClinVar:

ClinVar aggregate classification (germline): Conflicting classifications of pathogenicity. Review status: criteria provided, conflicting classifications (1 of 4 stars). 2 submissions from 2 submitters: Uncertain significance (1); Likely benign (1). Last evaluated 2025-10-07.

Conditions:
Renal cell carcinoma. Identifiers: Orphanet 217071, MedGen C0007134, MeSH D002292, MONDO:0005086, HP:0005584.
Hereditary cancer-predisposing syndrome. Also called: Hereditary Cancer Syndrome; Hereditary neoplastic syndrome; Neoplastic Syndromes, Hereditary; Tumor predisposition. Identifiers: Orphanet 140162, MedGen C0027672, MeSH D009386, MONDO:0015356.

Allele frequency attached by ClinVar (database versions not stated): gnomAD exomes below 0.00001 and 0.00001; ExAC 0.00001; gnomAD 0.00001.
gnomAD v4.1: 3 of 1,613,990 alleles (0.00019%); highest among the groups gnomAD compares: East Asian, 0.0067%; no homozygotes.

Submissions (2):

Labcorp Genetics (formerly Invitae), Labcorp
Classification: Uncertain significance for Renal cell carcinoma. Last evaluated: 2025-10-07. Review status: criteria provided, single submitter. Criteria: Invitae Variant Classification Sherloc (09022015). Collection method: clinical testing. Allele origin: germline.
Comment: This sequence change replaces aspartic acid, which is acidic and polar, with tyrosine, which is neutral and polar, at codon 224 of the MET protein (p.Asp224Tyr). This variant is present in population databases (rs765257726, gnomAD 0.02%). This variant has not been reported in the literature in individuals affected with MET-related conditions. ClinVar contains an entry for this variant (Variation ID: 216515). Invitae Evidence Modeling of protein sequence and biophysical properties (such as structural, functional, and spatial information, amino acid conservation, physicochemical variation, residue mobility, and thermodynamic stability) has been performed for this missense variant. However, the output from this modeling did not meet the statistical confidence thresholds required to predict the impact of this variant on MET protein function. In summary, the available evidence is currently insufficient to determine the role of this variant in disease. Therefore, it has been classified as a Variant of Uncertain Significance.

Ambry Genetics
Classification: Likely benign for Hereditary cancer-predisposing syndrome. Last evaluated: 2023-03-05. Review status: criteria provided, single submitter. Criteria: Ambry Variant Classification Scheme 2023. Collection method: clinical testing. Allele origin: germline.

NM_000245.4(MET):c.670G>T (p.Asp224Tyr)

Gene: MET (MET proto-oncogene, receptor tyrosine kinase; plus strand). Cytogenetic location: 7q31.2.
Variant type: single nucleotide variant.
Coding change: c.670G>T on transcript NM_000245.4 (MANE Select); coding-DNA position 670, G replaced by T.
Protein change: p.Asp224Tyr; replaces aspartic acid 224 with tyrosine.
Molecular consequence: missense variant. On other transcripts: intron variant (1).
Genome position (GRCh38, 1-based): chr7:116,699,754, G>T. VCF-style: chr7-116699754-G-T. GRCh37 (hg19) VCF-style: chr7-116339808-G-T.
Other names: c.670G>T, p.Asp224Tyr (NM_001127500.3, NM_001324401.3); c.-91+27177G>T (NM_001324402.2); short protein forms D224Y.
Identifiers: ClinVar variation 216515 (VCV000216515.10), dbSNP rs765257726, ClinGen allele CA336591.